The following is an entry in ClinVar:

NM_000124.4(ERCC6):c.1814_1816delinsCC (p.His605fs)

Gene: ERCC6 (ERCC excision repair 6, chromatin remodeling factor; minus strand). Cytogenetic location: 10q11.23.
Variant type: Indel.
Coding change: c.1814_1816delinsCC on transcript NM_000124.4 (MANE Select); coding-DNA positions 1814 to 1816, ACA replaced by CC.
Protein change: p.His605fs; shifts the reading frame from histidine 605.
Molecular consequence: frameshift variant.
Genome position (GRCh38, 1-based): chr10:49,493,122-49,493,124, TGT replaced by GG on the plus strand (ACA replaced by CC on the coding strand, the reverse complement: ERCC6 is on the minus strand). VCF-style: chr10-49493122-TGT-GG. GRCh37 (hg19) VCF-style: chr10-50701168-TGT-GG.
Other names: c.1814_1816delinsCC, p.His605fs (NM_001346440.2); short protein forms H605fs.
Identifiers: ClinVar variation 5013605 (VCV005013605.1).
Genomic context (GRCh38, chr10:49,493,122, plus strand): 5'-ATGTAAAATGGAGGGCATTAAAACAAAACAAAAAGGTACTGAAATATTGTGTTACCTTTT[TGT>GG]GGGTATAGGAACCGGTTTCATGTAGAATTGCCACTCTGAACGGAGGCCACCACGTGTGAA-3'

ClinVar aggregate classification (germline): Pathogenic (1 of 4 stars; one submission).

Conditions:
Cockayne spectrum with or without cerebrooculofacioskeletal syndrome. Identifiers: MedGen CN315928, MONDO:0100506.

Submission:

Myriad Genetics, Inc.
Classification: Pathogenic for Cockayne spectrum with or without cerebrooculofacioskeletal syndrome. Last evaluated: 2024-10-02. Review status: criteria provided, single submitter. Criteria: Myriad Autosomal Dominant, Autosomal Recessive and X-Linked Classification Criteria (2023). Collection method: clinical testing. Allele origin: unknown.
Comment: NM_000124.2(ERCC6):c.1814_1816delACAinsCC(H605Pfs*6) is expected to be pathogenic in the context of ERCC6-related disorders. This variant is predicted to lead to an abnormal or absent protein product due to the creation of a premature termination codon in ERCC6, a gene where loss-of-function variants are known to be pathogenic. Please note: this variant was assessed in the context of healthy population screening.